The following is an entry in ClinVar:

NM_000071.3(CBS):c.106A>G (p.Lys36Glu)

Gene: CBS (cystathionine beta-synthase; minus strand). Cytogenetic location: 21q22.3.
Variant type: single nucleotide variant.
Coding change: c.106A>G on transcript NM_000071.3 (MANE Select); coding-DNA position 106, A replaced by G.
Protein change: p.Lys36Glu; replaces lysine 36 with glutamic acid.
Molecular consequence: missense variant.
Genome position (GRCh38, 1-based): chr21:43,072,088, T>C on the plus strand (A>G on the coding strand, the complement: CBS is on the minus strand). VCF-style: chr21-43072088-T-C. GRCh37 (hg19) VCF-style: chr21-44492198-T-C.
Other names: c.106A>G, p.Lys36Glu (NM_001178008.3, NM_001178009.3, NM_001320298.2); short protein forms K36E.
Identifiers: ClinVar variation 519594 (VCV000519594.11), dbSNP rs904453895, ClinGen allele CA321103958.

ClinVar aggregate classification (germline): Uncertain significance. Review status: criteria provided, multiple submitters, no conflicts (2 of 4 stars). 2 submissions from 2 submitters: Uncertain significance (2). Last evaluated 2025-06-17.

Conditions:
HYPERHOMOCYSTEINEMIA, THROMBOTIC, CBS-RELATED. Identifiers: MedGen C3150344, OMIM 236200.
Familial thoracic aortic aneurysm and aortic dissection (TAAD). Also called: Thoracic aortic aneurysms and dissections. Identifiers: Orphanet 91387, MedGen C4707243, MONDO:0019625.

Allele frequency attached by ClinVar (database versions not stated): gnomAD exomes below 0.00001.

Submissions (2):

Ambry Genetics
Classification: Uncertain significance for Familial thoracic aortic aneurysm and aortic dissection. Last evaluated: 2025-06-17. Review status: criteria provided, single submitter. Criteria: Ambry Variant Classification Scheme 2023. Collection method: clinical testing. Allele origin: germline.
Comment: The p.K36E variant (also known as c.106A>G), located in coding exon 1 of the CBS gene, results from an A to G substitution at nucleotide position 106. The lysine at codon 36 is replaced by glutamic acid, an amino acid with similar properties. This amino acid position is not well conserved in available vertebrate species. In addition, the in silico prediction for this alteration is inconclusive. Since supporting evidence is limited at this time, the clinical significance of this alteration remains unclear.

Labcorp Genetics (formerly Invitae), Labcorp
Classification: Uncertain significance for HYPERHOMOCYSTEINEMIA, THROMBOTIC, CBS-RELATED. Last evaluated: 2022-04-25. Review status: criteria provided, single submitter. Criteria: Invitae Variant Classification Sherloc (09022015). Collection method: clinical testing. Allele origin: germline.
Comment: This sequence change replaces lysine, which is basic and polar, with glutamic acid, which is acidic and polar, at codon 36 of the CBS protein (p.Lys36Glu). This variant is present in population databases (no rsID available, gnomAD 0.0009%). This variant has not been reported in the literature in individuals affected with CBS-related conditions. ClinVar contains an entry for this variant (Variation ID: 519594). Algorithms developed to predict the effect of missense changes on protein structure and function (SIFT, PolyPhen-2, Align-GVGD) all suggest that this variant is likely to be tolerated. In summary, the available evidence is currently insufficient to determine the role of this variant in disease. Therefore, it has been classified as a Variant of Uncertain Significance.